The following is an entry in ClinVar:

NM_002016.2(FLG):c.5638C>A (p.His1880Asn)

Genes: CCDST (cervical cancer associated DHX9 suppressive transcript; plus strand), FLG (filaggrin; minus strand). Cytogenetic location: 1q21.3.
Variant type: single nucleotide variant.
Coding change: c.5638C>A on transcript NM_002016.2 (MANE Select); coding-DNA position 5638, C replaced by A.
Protein change: p.His1880Asn; replaces histidine 1880 with asparagine.
Molecular consequence: missense variant.
Genome position (GRCh38, 1-based): chr1:152,309,248, G>T on the plus strand (C>A on the coding strand, the complement: FLG is on the minus strand). VCF-style: chr1-152309248-G-T. GRCh37 (hg19) VCF-style: chr1-152281724-G-T.
Other names: short protein forms H1880N.
Identifiers: ClinVar variation 1186844 (VCV001186844.27), dbSNP rs149817134, ClinGen allele CA1105674.

ClinVar aggregate classification (germline): Benign/Likely benign. Review status: criteria provided, multiple submitters, no conflicts (2 of 4 stars). 3 submissions from 3 submitters: Benign (1); Likely benign (2). Last evaluated 2026-04-01.

Allele frequency attached by ClinVar (database versions not stated): 1000 Genomes Project 0.00439; 1000 Genomes Project 30x 0.00453; gnomAD 0.00848 and 0.00890; TOPMed 0.00878; ESP Exome Variant Server 0.00969; ExAC 0.00979.
gnomAD v4.1: 16,908 of 1,613,748 alleles (1%); highest among the groups gnomAD compares: Non-Finnish European, 1.2%; 147 homozygotes.

Submissions (3):

CeGaT Center for Human Genetics Tuebingen
Classification: Benign. Last evaluated: 2026-04-01. Review status: criteria provided, single submitter. Criteria: CeGaT Center For Human Genetics Tuebingen Variant Classification Criteria Version 2. Collection method: clinical testing. Allele origin: germline. Affected: yes. Observed: 4 variant alleles.
Comment: FLG: BP4, BS1, BS2

GeneDx
Classification: Likely benign. Last evaluated: 2018-07-14. Review status: criteria provided, single submitter. Criteria: GeneDx Variant Classification Process June 2021. Collection method: clinical testing. Allele origin: germline. Affected: yes.

Breakthrough Genomics
Classification: Likely benign. Review status: criteria provided, single submitter. Criteria: ACMG Guidelines, 2015. Collection method: not provided. Allele origin: germline. Inheritance: Autosomal dominant inheritance. Affected: yes.